The following is an entry in ClinVar:

NM_020832.3(ZNF687):c.1375G>A (p.Gly459Arg)

Gene: ZNF687 (zinc finger protein 687; plus strand). Cytogenetic location: 1q21.3.
Variant type: single nucleotide variant.
Coding change: c.1375G>A on transcript NM_020832.3 (MANE Select); coding-DNA position 1375, G replaced by A.
Protein change: p.Gly459Arg; replaces glycine 459 with arginine.
Molecular consequence: missense variant.
Genome position (GRCh38, 1-based): chr1:151,287,666, G>A. VCF-style: chr1-151287666-G-A. GRCh37 (hg19) VCF-style: chr1-151260142-G-A.
Other names: c.1375G>A, p.Gly459Arg (NM_001304763.2, NM_001304764.2); short protein forms G459R.
Identifiers: ClinVar variation 3259201 (VCV003259201.2).

ClinVar aggregate classification (germline): Uncertain significance. Review status: criteria provided, multiple submitters, no conflicts (2 of 4 stars). 2 submissions from 2 submitters: Uncertain significance (2). Last evaluated 2025-05-11.

Submissions (2):

Labcorp Genetics (formerly Invitae), Labcorp
Classification: Uncertain significance. Last evaluated: 2025-05-11. Review status: criteria provided, single submitter. Criteria: Invitae Variant Classification Sherloc (09022015). Collection method: clinical testing. Allele origin: germline.
Comment: This sequence change replaces glycine, which is neutral and non-polar, with arginine, which is basic and polar, at codon 459 of the ZNF687 protein (p.Gly459Arg). This variant is not present in population databases (gnomAD no frequency). This variant has not been reported in the literature in individuals affected with ZNF687-related conditions. ClinVar contains an entry for this variant (Variation ID: 3259201). An algorithm developed to predict the effect of missense changes on protein structure and function (PolyPhen-2) suggests that this variant is likely to be tolerated. In summary, the available evidence is currently insufficient to determine the role of this variant in disease. Therefore, it has been classified as a Variant of Uncertain Significance.

Ambry Genetics
Classification: Uncertain significance. Last evaluated: 2024-03-28. Review status: criteria provided, single submitter. Criteria: Ambry Variant Classification Scheme 2023. Collection method: clinical testing. Allele origin: germline.